The following is an entry in ClinVar:

ClinVar aggregate classification (germline): Benign (1 of 4 stars; one submission).

Conditions:
Amyotrophic lateral sclerosis type 6. Also called: FUS-Related Amyotrophic Laterial Sclerosis; AMYOTROPHIC LATERAL SCLEROSIS 6 WITHOUT FRONTOTEMPORAL DEMENTIA; Amyotrophic lateral sclerosis 6, with or without frontotemporal dementia. Identifiers: Orphanet 275872, Orphanet 803, MedGen C2931786, MONDO:0011951, OMIM 608030.

Allele frequency attached by ClinVar (database versions not stated): 1000 Genomes Project 0.00180; 1000 Genomes Project 30x 0.00234; gnomAD exomes 0.00193 and 0.00195; ExAC 0.00715; TOPMed 0.00008.
gnomAD v4.1: 781 of 531,302 alleles (0.15%); highest among the groups gnomAD compares: South Asian, 1.2%; 6 homozygotes.

Submission:

Illumina Laboratory Services, Illumina
Classification: Benign for Amyotrophic lateral sclerosis type 6. Last evaluated: 2018-01-13. Review status: criteria provided, single submitter. Criteria: ICSL Variant Classification Criteria 13 December 2019. Collection method: clinical testing. Allele origin: germline.
Comment: This variant was observed in the ICSL laboratory as part of a predisposition screen in an ostensibly healthy population. It had not been previously curated by ICSL or reported in the Human Gene Mutation Database (HGMD: prior to June 1st, 2018), and was therefore a candidate for classification through an automated scoring system. Utilizing variant allele frequency, disease prevalence and penetrance estimates, and inheritance mode, an automated score was calculated to assess if this variant is too frequent to cause the disease. Based on the score and internal cut-off values, a variant classified as benign is not then subjected to further curation. The score for this variant resulted in a classification of benign for this disease.

NM_004960.3(FUS):c.*687G>A

Gene: FUS (FUS DNA/RNA binding protein; plus strand). Cytogenetic location: 16p11.2.
Variant type: single nucleotide variant.
Coding change: c.*687G>A on transcript NM_004960.3; 687 bases downstream of the stop codon, G replaced by A.
Molecular consequence: 3 prime UTR variant (on NM_001170634.1). On other transcripts: non-coding transcript variant (1).
Genome position (GRCh38, 1-based): chr16:31,192,125, G>A. VCF-style: chr16-31192125-G-A. GRCh37 (hg19) VCF-style: chr16-31203446-G-A.
Other names: c.*687G>A (NM_001170634.1, NM_001170937.1).
Identifiers: ClinVar variation 319003 (VCV000319003.7), dbSNP rs549602004, ClinGen allele CA8024201.